The following is an entry in ClinVar:

ClinVar aggregate classification (germline): Benign. Review status: criteria provided, multiple submitters, no conflicts (2 of 4 stars). 13 submissions from 13 submitters: Benign (9). 4 of the submissions do not count toward it. Last evaluated 2026-02-02.

Conditions:
Dilated cardiomyopathy 3B (CMD3B). Also called: CMD3B: DMD-Related Dilated Cardiomyopathy; CARDIOMYOPATHY, DILATED, X-LINKED; DMD-Associated Dilated Cardiomyopathy. Identifiers: Orphanet 154, MedGen C3668940, MONDO:0010542, OMIM 302045.
Becker muscular dystrophy (BMD). Also called: Becker Muscular Dystrophy (BMD); MUSCULAR DYSTROPHY, PSEUDOHYPERTROPHIC PROGRESSIVE, BECKER TYPE. Identifiers: Orphanet 98895, MedGen C0917713, MONDO:0010311, OMIM 300376.
Duchenne muscular dystrophy (DMD). Also called: Duchenne Muscular Dystrophy (DMD); MUSCULAR DYSTROPHY, PSEUDOHYPERTROPHIC PROGRESSIVE, DUCHENNE TYPE. Identifiers: Orphanet 98896, MedGen C0013264, MONDO:0010679, OMIM 310200.
Cardiomyopathy (CMYO). Also called: Cardiomyopathies. Identifiers: Orphanet 167848, MedGen C0878544, MONDO:0004994, HP:0001638. Inheritance: Various modes of inheritance.
Dystrophin deficiency.
Cardiovascular phenotype. Identifiers: MedGen CN230736.

Allele frequency attached by ClinVar (database versions not stated): gnomAD 0.00004 and 0.00143; TOPMed 0.00035; gnomAD exomes 0.00312 and 0.00667; ExAC 0.00745; 1000 Genomes Project 30x 0.01540; 1000 Genomes Project 0.01801.
gnomAD v4.1: 3,579 of 1,208,509 alleles (0.3%); highest among the groups gnomAD compares: South Asian, 6%; 61 homozygotes.

Submissions (13):

Labcorp Genetics (formerly Invitae), Labcorp
Classification: Benign for Duchenne muscular dystrophy. Last evaluated: 2026-02-02. Review status: criteria provided, single submitter. Criteria: Invitae Variant Classification Sherloc (09022015). Collection method: clinical testing. Allele origin: germline.

Mayo Clinic Laboratories, Mayo Clinic
Classification: Benign. Last evaluated: 2023-09-25. Review status: criteria provided, single submitter. Criteria: ACMG Guidelines, 2015. Collection method: clinical testing. Allele origin: germline. Observed: 2 variant alleles.
Comment: BA1, BP4, BP7

Women's Health and Genetics/Laboratory Corporation of America, LabCorp
Classification: Benign. Last evaluated: 2021-03-30. Review status: criteria provided, single submitter. Criteria: LabCorp Variant Classification Summary - May 2015. Collection method: clinical testing. Allele origin: germline.

ARUP Laboratories, Molecular Genetics and Genomics, ARUP Laboratories
Classification: Benign. Last evaluated: 2019-04-17. Review status: criteria provided, single submitter. Criteria: ARUP Molecular Germline Variant Investigation Process. Collection method: clinical testing. Allele origin: germline.

Illumina Laboratory Services, Illumina
Classification: Benign for Dilated cardiomyopathy 3B. Last evaluated: 2018-01-13. Review status: criteria provided, single submitter. Criteria: ICSL Variant Classification Criteria 13 December 2019. Collection method: clinical testing. Allele origin: germline.
Comment: This variant was observed in the ICSL laboratory as part of a predisposition screen in an ostensibly healthy population. It had not been previously curated by ICSL or reported in the Human Gene Mutation Database (HGMD: prior to June 1st, 2018), and was therefore a candidate for classification through an automated scoring system. Utilizing variant allele frequency, disease prevalence and penetrance estimates, and inheritance mode, an automated score was calculated to assess if this variant is too frequent to cause the disease. Based on the score and internal cut-off values, a variant classified as benign is not then subjected to further curation. The score for this variant resulted in a classification of benign for this disease.

Ambry Genetics
Classification: Benign for Cardiovascular phenotype. Last evaluated: 2016-09-02. Review status: criteria provided, single submitter. Criteria: Ambry Variant Classification Scheme 2023. Collection method: clinical testing. Allele origin: germline.

GeneDx
Classification: Benign. Last evaluated: 2016-06-20. Review status: criteria provided, single submitter. Criteria: GeneDx Variant Classification (06012015). Collection method: clinical testing. Allele origin: germline. Affected: yes.
Comment: This variant is considered likely benign or benign based on one or more of the following criteria: it is a conservative change, it occurs at a poorly conserved position in the protein, it is predicted to be benign by multiple in silico algorithms, and/or has population frequency not consistent with disease.

Laboratory for Molecular Medicine, Mass General Brigham Personalized Medicine
Classification: Benign. Last evaluated: 2015-06-04. Review status: criteria provided, single submitter. Criteria: LMM Criteria. Collection method: clinical testing. Allele origin: germline. Observed: 1 variant allele.
Comment: p.Glu1425Glu in exon 31 of DMD: This variant is not expected to have clinical si gnificance because it does not alter an amino acid residue, is not located withi n the splice consensus sequence, and has been identified in 6.4% (639/9938) of S outh Asian chromosomes by the Exome Aggregation Consortium (ExAC; dbSNP rs72468647).

Eurofins Ntd Llc (ga)
Classification: Benign. Last evaluated: 2013-10-21. Review status: criteria provided, single submitter. Criteria: EGL Classification Definitions 2015. Collection method: clinical testing. Allele origin: germline. Observed: 4 variant alleles, 2 heterozygotes, 2 hemizygotes.

Natera, Inc.
Classification: Benign for Becker muscular dystrophy; Cardiomyopathy; Duchenne muscular dystrophy; Dystrophin deficiency. Last evaluated: 2017-04-21. Review status: no assertion criteria provided. Collection method: clinical testing. Allele origin: germline. Not counted in ClinVar's aggregate classification.

Clinical Genetics DNA and cytogenetics Diagnostics Lab, Erasmus MC, Erasmus Medical Center
Classification: Benign. Review status: no assertion criteria provided. Collection method: clinical testing. Allele origin: germline. Affected: yes. Study: VKGL Data-share Consensus. Not counted in ClinVar's aggregate classification.

Diagnostic Laboratory, Department of Genetics, University Medical Center Groningen
Classification: Likely benign. Review status: no assertion criteria provided. Collection method: clinical testing. Allele origin: germline. Affected: yes. Study: VKGL Data-share Consensus. Not counted in ClinVar's aggregate classification.

Laboratory of Diagnostic Genome Analysis, Leiden University Medical Center (LUMC)
Classification: Likely benign. Review status: no assertion criteria provided. Collection method: clinical testing. Allele origin: germline. Affected: yes. Study: VKGL Data-share Consensus. Not counted in ClinVar's aggregate classification.

NM_004006.3(DMD):c.4275A>G (p.Glu1425=)

Gene: DMD (dystrophin; minus strand). Cytogenetic location: Xp21.1.
Variant type: single nucleotide variant.
Coding change: c.4275A>G on transcript NM_004006.3 (MANE Select); coding-DNA position 4275, A replaced by G.
Protein change: p.Glu1425=; no amino-acid change (glutamic acid 1425 retained).
Molecular consequence: synonymous variant.
Genome position (GRCh38, 1-based): chrX:32,390,140, T>C on the plus strand (A>G on the coding strand, the complement: DMD is on the minus strand). VCF-style: chrX-32390140-T-C. GRCh37 (hg19) VCF-style: chrX-32408257-T-C.
Other names: p.Glu1425=; c.4251A>G, p.Glu1417= (NM_000109.4); c.4263A>G, p.Glu1421= (NM_004009.3); c.3906A>G, p.Glu1302= (NM_004010.3); c.252A>G, p.Glu84= (NM_004011.4); c.243A>G, p.Glu81= (NM_004012.4).
Identifiers: ClinVar variation 94618 (VCV000094618.42), dbSNP rs72468647, ClinGen allele CA147829.